The following is an entry in ClinVar:

NM_001308093.3(GATA4):c.187T>G (p.Ser63Ala)

Gene: GATA4 (GATA binding protein 4). Cytogenetic location: 8p23.1.
Variant type: single nucleotide variant.
Coding change: c.187T>G on transcript NM_001308093.3 (MANE Select); coding-DNA position 187, T replaced by G.
Protein change: p.Ser63Ala; replaces serine 63 with alanine.
Molecular consequence: missense variant. On other transcripts: intron variant (3).
Genome position (GRCh38, 1-based): chr8:11,708,499, T>G. VCF-style: chr8-11708499-T-G. GRCh37 (hg19) VCF-style: chr8-11566008-T-G.
Other names: c.187T>G, p.Ser63Ala (NM_002052.5); c.-6+7721T>G (NM_001308094.2); c.-3+485T>G (NM_001374274.1); c.-3+4195T>G (NM_001374273.1); short protein forms S63A.
Identifiers: ClinVar variation 1781874 (VCV001781874.2), dbSNP rs759522534, ClinGen allele CA370309110.

ClinVar aggregate classification (germline): Uncertain significance (1 of 4 stars; one submission).

Conditions:
Cardiovascular phenotype. Identifiers: MedGen CN230736.

Submission:

Ambry Genetics
Classification: Uncertain significance for Cardiovascular phenotype. Last evaluated: 2021-11-19. Review status: criteria provided, single submitter. Criteria: Ambry Variant Classification Scheme 2023. Collection method: clinical testing. Allele origin: germline.
Comment: The p.S63A variant (also known as c.187T>G), located in coding exon 1 of the GATA4 gene, results from a T to G substitution at nucleotide position 187. The serine at codon 63 is replaced by alanine, an amino acid with similar properties. This amino acid position is conserved. In addition, this alteration is predicted to be tolerated by in silico analysis. Since supporting evidence is limited at this time, the clinical significance of this alteration remains unclear.